The following is an entry in ClinVar:

NM_000037.4(ANK1):c.4153C>T (p.Arg1385Ter)

Gene: ANK1 (ankyrin 1; minus strand). Cytogenetic location: 8p11.21.
Variant type: single nucleotide variant.
Coding change: c.4153C>T on transcript NM_000037.4 (MANE Select); coding-DNA position 4153, C replaced by T.
Protein change: p.Arg1385Ter; replaces arginine 1385 with a stop codon.
Molecular consequence: nonsense.
Genome position (GRCh38, 1-based): chr8:41,688,541, G>A on the plus strand (C>T on the coding strand, the complement: ANK1 is on the minus strand). VCF-style: chr8-41688541-G-A. GRCh37 (hg19) VCF-style: chr8-41546059-G-A.
Other names: c.4153C>T (NM_020476.2); c.4276C>T, p.Arg1426Ter (NM_001142446.2); c.4153C>T, p.Arg1385Ter (NM_020475.3, NM_020476.3, NM_020477.3); short protein forms R1385*, R1426*.
Identifiers: ClinVar variation 811958 (VCV000811958.14), dbSNP rs750820522, ClinGen allele CA4727647.

ClinVar aggregate classification (germline): Pathogenic. Review status: criteria provided, multiple submitters, no conflicts (2 of 4 stars). 5 submissions from 5 submitters: Pathogenic (5). Last evaluated 2026-01-07.

Conditions:
Hereditary spherocytosis type 1. Also called: Spherocytosis type 1; ANK1-Related Spherocytosis. Identifiers: Orphanet 822, MedGen C2674218, MONDO:0008447, OMIM 182900.
ANK1-related disorder. Also called: ANK1-related condition.

Allele frequency attached by ClinVar (database versions not stated): gnomAD 0.00001; TOPMed 0.00001; ExAC below 0.00001; gnomAD exomes below 0.00001.
gnomAD v4.1: 3 of 1,614,054 alleles (0.00019%); highest among the groups gnomAD compares: Non-Finnish European, 0.00017%; no homozygotes.

Submissions (5):

Labcorp Genetics (formerly Invitae), Labcorp
Classification: Pathogenic. Last evaluated: 2026-01-07. Review status: criteria provided, single submitter. Criteria: Invitae Variant Classification Sherloc (09022015). Collection method: clinical testing. Allele origin: germline.
Comment: This sequence change creates a premature translational stop signal (p.Arg1385*) in the ANK1 gene. It is expected to result in an absent or disrupted protein product. Loss-of-function variants in ANK1 are known to be pathogenic (PMID: 8640229). The frequency data for this variant in the population databases is considered unreliable, as metrics indicate poor data quality at this position in the gnomAD database. This premature translational stop signal has been observed in individual(s) with hereditary spherocytosis (PMID: 29228571, 29572776, 32436265). This variant is also known as c.4276C>T (p.R1426*). ClinVar contains an entry for this variant (Variation ID: 811958). For these reasons, this variant has been classified as Pathogenic.

Blueprint Genetics
Classification: Pathogenic for ANK1-related disorders. Last evaluated: 2024-11-27. Review status: criteria provided, single submitter. Criteria: ACMG Guidelines, 2015. Collection method: clinical testing. Allele origin: germline. Affected: yes. Observed: 2 variant alleles.

PreventionGenetics, part of Exact Sciences
Classification: Pathogenic for ANK1-related condition. Last evaluated: 2024-11-20. Review status: criteria provided, single submitter. Criteria: ACMG Guidelines, 2015. Collection method: clinical testing. Allele origin: germline.
Comment: The ANK1 c.4153C>T variant is predicted to result in premature protein termination (p.Arg1385*). This variant, sometimes described in the literature as p.Arg1426* using an alternate transcript (NM_001142446.1), has been repeatedly documented in the heterozygous state in patients affected with hereditary spherocytosis (Wang et al. 2017. PubMed ID: 29228571; Wang et al. 2018. PubMed ID: 29572776; Tole et al. 2019. PubMed ID: 30965318; Tole et al. 2020. PubMed ID: 32436265; Wu et al. 2021. PubMed ID: 33868383). At PreventionGenetics, we have observed this variant in the heterozygous state in patients affected with hereditary spherocytosis (Internal Data). This variant is reported in 0.0040% of alleles in individuals of European (Finnish) descent in gnomAD. Nonsense variants in ANK1 are expected to be pathogenic. This variant is interpreted as pathogenic.

ARUP Laboratories, Molecular Genetics and Genomics, ARUP Laboratories
Classification: Pathogenic for Hereditary spherocytosis type 1. Last evaluated: 2024-10-31. Review status: criteria provided, single submitter. Criteria: ARUP Molecular Germline Variant Investigation Process 2024. Collection method: clinical testing. Allele origin: germline.
Comment: The ANK1 c.4153C>T; p.Arg1385Ter variant (rs750820522), also known as c.4276C>T; p.Arg1426Ter for NM_001142446.1, is reported in the literature in two individuals affected with hereditary spherocytosis (Wang 2018, Wang 2017). This variant is found in the general population with an overall allele frequency of 0.0007% (2/282852 alleles) in the Genome Aggregation Database. This variant induces an early termination codon and is predicted to result in a truncated protein or mRNA subject to nonsense-mediated decay. Based on available information, this variant is considered to be pathogenic. References: Wang R etal. Exome sequencing confirms molecular diagnoses in 38 Chinese families with hereditary spherocytosis. Sci China Life Sci. 2018 Aug;61(8):947-953. PMID: 29572776. Wang X et al. Identification of a novel de novo ANK1 R1426* nonsense mutation in a Chinese family with hereditary spherocytosis by NGS. Oncotarget. 2017 May 27;8(57):96791-96797. PMID: 29228571

Revvity Omics, Revvity
Classification: Pathogenic for Hereditary spherocytosis type 1. Last evaluated: 2024-07-24. Review status: criteria provided, single submitter. Criteria: ACMG Guidelines, 2015. Collection method: clinical testing. Allele origin: germline.

Literature cited by the submitters: PubMed 8640229 (cited by Labcorp Genetics (formerly Invitae), Labcorp); PubMed 29228571 (cited by Labcorp Genetics (formerly Invitae), Labcorp); PubMed 29572776 (cited by Labcorp Genetics (formerly Invitae), Labcorp); PubMed 32436265 (cited by Labcorp Genetics (formerly Invitae), Labcorp).